The following is an entry in ClinVar:

NM_182961.4(SYNE1):c.25788G>T (p.Met8596Ile)

Gene: SYNE1 (spectrin repeat containing nuclear envelope protein 1; minus strand). Cytogenetic location: 6q25.2.
Variant type: single nucleotide variant.
Coding change: c.25788G>T on transcript NM_182961.4 (MANE Select); coding-DNA position 25788, G replaced by T.
Protein change: p.Met8596Ile; replaces methionine 8596 with isoleucine.
Molecular consequence: missense variant.
Genome position (GRCh38, 1-based): chr6:152,135,104, C>A on the plus strand (G>T on the coding strand, the complement: SYNE1 is on the minus strand). VCF-style: chr6-152135104-C-A. GRCh37 (hg19) VCF-style: chr6-152456239-C-A.
Other names: c.25644G>T (NM_033071.3); c.2394G>T, p.Met798Ile (NM_001347701.2); c.2322G>T, p.Met774Ile (NM_001347702.2); c.25644G>T, p.Met8548Ile (NM_033071.5); short protein forms M774I, M798I, M8548I, M8596I.
Identifiers: ClinVar variation 995006 (VCV000995006.2), dbSNP rs2056760844, ClinGen allele CA366077793.
Genomic context (GRCh38, chr6:152,135,104, plus strand): 5'-GTAAATGAAATGCAACCCTGCTAAAAATAACTGGAGGCTGCCAGAGTTCACACATCTTAC[C>A]ATAAGCTGTTTGTGATGGTCCTGAAGTATCTCTGCATCAAGGTTAGAATCAATAGGGACA-3'
Protein context (NP_892006.3, residues 8586-8606): EILQDHHKQL[Met8596Ile]QIKHELLESQ

ClinVar aggregate classification (germline): Uncertain significance. Review status: criteria provided, multiple submitters, no conflicts (2 of 4 stars). 2 submissions from 2 submitters: Uncertain significance (2). Last evaluated 2025-02-20.

Submissions (2):

GeneDx
Classification: Uncertain significance. Last evaluated: 2025-02-20. Review status: criteria provided, single submitter. Criteria: GeneDx Variant Classification Process June 2021. Collection method: clinical testing. Allele origin: germline. Affected: yes.
Comment: Not observed at significant frequency in large population cohorts (gnomAD); Alters the last nucleotide of the exon and is predicted to destroy the splice donor site but the effect on protein function is unclear; In silico analysis supports that this missense variant has a deleterious effect on protein structure/function; Has not been previously published as pathogenic or benign to our knowledge

Athena Diagnostics
Classification: Uncertain significance. Last evaluated: 2020-07-27. Review status: criteria provided, single submitter. Criteria: Athena Diagnostics Criteria. Collection method: clinical testing. Allele origin: unknown.